The following is an entry in ClinVar:

NM_152564.5(VPS13B):c.380A>G (p.Gln127Arg)

Gene: VPS13B (vacuolar protein sorting 13 homolog B; plus strand). Cytogenetic location: 8q22.2.
Variant type: single nucleotide variant.
Coding change: c.380A>G on transcript NM_152564.5 (MANE Select); coding-DNA position 380, A replaced by G.
Protein change: p.Gln127Arg; replaces glutamine 127 with arginine.
Molecular consequence: missense variant. On other transcripts: non-coding transcript variant (1).
Genome position (GRCh38, 1-based): chr8:99,096,400, A>G. VCF-style: chr8-99096400-A-G. GRCh37 (hg19) VCF-style: chr8-100108628-A-G.
Other names: c.380A>G, p.Gln127Arg (NM_015243.3, NM_017890.5, NM_181661.3); short protein forms Q127R.
Identifiers: ClinVar variation 1464888 (VCV001464888.6), dbSNP rs2132431749, ClinGen allele CA371858193.

ClinVar aggregate classification (germline): Uncertain significance (1 of 4 stars; one submission).

Conditions:
Cohen syndrome (COH1). Also called: PEPPER SYNDROME; Cutis verticis gyrata, retinitis pigmentosa, and sensorineural deafness. Identifiers: Orphanet 193, MedGen C0265223, MONDO:0008999, OMIM 216550.

Submission:

Labcorp Genetics (formerly Invitae), Labcorp
Classification: Uncertain significance for Cohen syndrome. Last evaluated: 2020-12-26. Review status: criteria provided, single submitter. Criteria: Invitae Variant Classification Sherloc (09022015). Collection method: clinical testing. Allele origin: germline.
Comment: In summary, the available evidence is currently insufficient to determine the role of this variant in disease. Therefore, it has been classified as a Variant of Uncertain Significance. Algorithms developed to predict the effect of missense changes on protein structure and function are either unavailable or do not agree on the potential impact of this missense change (SIFT: "Not Available"; PolyPhen-2: "Benign"; Align-GVGD: "Not Available"). This variant has not been reported in the literature in individuals with VPS13B-related conditions. This variant is not present in population databases (ExAC no frequency). This sequence change replaces glutamine with arginine at codon 127 of the VPS13B protein (p.Gln127Arg). The glutamine residue is weakly conserved and there is a small physicochemical difference between glutamine and arginine.